The following is an entry in ClinVar:

NM_000254.3(MTR):c.3269A>G (p.His1090Arg)

Gene: MTR (5-methyltetrahydrofolate-homocysteine methyltransferase; plus strand). Cytogenetic location: 1q43.
Variant type: single nucleotide variant.
Coding change: c.3269A>G on transcript NM_000254.3 (MANE Select); coding-DNA position 3269, A replaced by G.
Protein change: p.His1090Arg; replaces histidine 1090 with arginine.
Molecular consequence: missense variant.
Genome position (GRCh38, 1-based): chr1:236,894,421, A>G. VCF-style: chr1-236894421-A-G. GRCh37 (hg19) VCF-style: chr1-237057721-A-G.
Other names: c.3116A>G, p.His1039Arg (NM_001291939.1); c.2048A>G, p.His683Arg (NM_001291940.2); c.3080A>G, p.His1027Arg (NM_001410942.1); short protein forms H1039R, H683R, H1090R, H1027R.
Identifiers: ClinVar variation 2052963 (VCV002052963.1), dbSNP rs202230081, ClinGen allele CA1474656.
Genomic context (GRCh38, chr1:236,894,421, plus strand): 5'-AGAAGGACTCTGCCAGCACGGAGCCATACTACTGCCTCTCAGACTTCATCGCTCCCTTGC[A>G]TTCTGGCATCCGTGACTACCTGGGCCTGTTTGCCGTTGCCTGCTTTGGGGTAGAAGAGCT-3'
Protein context (NP_000245.2, residues 1080-1100): YCLSDFIAPL[His1090Arg]SGIRDYLGLF

ClinVar aggregate classification (germline): Uncertain significance (1 of 4 stars; one submission).

Conditions:
Methylcobalamin deficiency type cblG (HMAG). Also called: HOMOCYSTINURIA-MEGALOBLASTIC ANEMIA, cblG COMPLEMENTATION TYPE; HOMOCYSTINURIA-MEGALOBLASTIC ANEMIA, cblG TYPE; Functional methionine synthase deficiency type cblG; HOMOCYSTINURIA-MEGALOBLASTIC ANEMIA DUE TO DEFECT IN COBALAMIN METABOLISM, cblG COMPLEMENTATION TYPE. Identifiers: Orphanet 2170, Orphanet 622, MedGen C1855128, MONDO:0009609, OMIM 250940.

Allele frequency attached by ClinVar (database versions not stated): TOPMed below 0.00001; gnomAD 0.00001; gnomAD exomes 0.00001; ExAC 0.00002.
gnomAD v4.1: 13 of 1,614,092 alleles (0.00081%); highest among the groups gnomAD compares: South Asian, 0.0088%; no homozygotes.

Submission:

Labcorp Genetics (formerly Invitae), Labcorp
Classification: Uncertain significance for Methylcobalamin deficiency type cblG. Last evaluated: 2022-05-03. Review status: criteria provided, single submitter. Criteria: Invitae Variant Classification Sherloc (09022015). Collection method: clinical testing. Allele origin: germline.
Comment: This sequence change replaces histidine, which is basic and polar, with arginine, which is basic and polar, at codon 1090 of the MTR protein (p.His1090Arg). This variant is present in population databases (rs202230081, gnomAD 0.01%). This variant has not been reported in the literature in individuals affected with MTR-related conditions. Algorithms developed to predict the effect of missense changes on protein structure and function (SIFT, PolyPhen-2, Align-GVGD) all suggest that this variant is likely to be tolerated. In summary, the available evidence is currently insufficient to determine the role of this variant in disease. Therefore, it has been classified as a Variant of Uncertain Significance.